The following is an entry in ClinVar:

NM_014714.4(IFT140):c.1090G>A (p.Glu364Lys)

Genes: IFT140 (intraflagellar transport 140; minus strand), LOC105371046 (uncharacterized LOC105371046; plus strand). Cytogenetic location: 16p13.3.
Variant type: single nucleotide variant.
Coding change: c.1090G>A on transcript NM_014714.4 (MANE Select); coding-DNA position 1090, G replaced by A.
Protein change: p.Glu364Lys; replaces glutamic acid 364 with lysine.
Molecular consequence: missense variant.
Genome position (GRCh38, 1-based): chr16:1,586,195, C>T on the plus strand (G>A on the coding strand, the complement: IFT140 is on the minus strand). VCF-style: chr16-1586195-C-T. GRCh37 (hg19) VCF-style: chr16-1636196-C-T.
Other names: short protein forms E364K.
Identifiers: ClinVar variation 1486746 (VCV001486746.6), dbSNP rs1279456870, ClinGen allele CA394215925.

ClinVar aggregate classification (germline): Uncertain significance (1 of 4 stars; one submission).

Conditions:
Saldino-Mainzer syndrome (SRTD9). Also called: Renal dysplasia, retinal pigmentary dystrophy, cerebellar ataxia and skeletal dysplasia; CONORENAL SYNDROME; SHORT-RIB THORACIC DYSPLASIA 9 WITHOUT POLYDACTYLY; short-rib thoracic dysplasia 9 with or without polydactyly. Identifiers: Orphanet 140969, MedGen C1849437, MONDO:0009964, OMIM 266920.

Allele frequency attached by ClinVar (database versions not stated): gnomAD exomes below 0.00001; TOPMed below 0.00001; gnomAD 0.00001.
gnomAD v4.1: 6 of 1,614,022 alleles (0.00037%); highest among the groups gnomAD compares: Non-Finnish European, 0.00051%; no homozygotes.

Submission:

Labcorp Genetics (formerly Invitae), Labcorp
Classification: Uncertain significance for Saldino-Mainzer syndrome. Last evaluated: 2021-11-01. Review status: criteria provided, single submitter. Criteria: Invitae Variant Classification Sherloc (09022015). Collection method: clinical testing. Allele origin: germline.
Comment: This sequence change replaces glutamic acid, which is acidic and polar, with lysine, which is basic and polar, at codon 364 of the IFT140 protein (p.Glu364Lys). This variant is not present in population databases (gnomAD no frequency). In summary, the available evidence is currently insufficient to determine the role of this variant in disease. Therefore, it has been classified as a Variant of Uncertain Significance. Algorithms developed to predict the effect of missense changes on protein structure and function are either unavailable or do not agree on the potential impact of this missense change (SIFT: "Tolerated"; PolyPhen-2: "Possibly Damaging"; Align-GVGD: "Class C0"). This variant has not been reported in the literature in individuals affected with IFT140-related conditions.